The following is an entry in ClinVar:

Conditions:
Breast-ovarian cancer, familial, susceptibility to, 1 (BROVCA1). Also called: BRCA1 Hereditary Breast and Ovarian Cancer; OVARIAN CANCER, SUSCEPTIBILITY TO. Identifiers: Orphanet 145, MedGen C2676676, MONDO:0011450, OMIM 604370. Disease mechanism: loss of function.

Submission:

Brotman Baty Institute, University of Washington
No classification provided (evidence only). Condition: Breast-ovarian cancer, familial 1. Review status: no classification provided. Collection method: in vitro. Allele origin: not applicable. Functional consequence: functionally_normal.
ClinVar note: "not provided" was previously submitted as the classification for the variant. However, the classification appeared to be based only on an observation of functional data so it was converted to no classification on 2025-07-30.

NM_007294.4(BRCA1):c.81-7C>A

Gene: BRCA1 (BRCA1 DNA repair associated; minus strand). Cytogenetic location: 17q21.31.
Variant type: single nucleotide variant.
Coding change: c.81-7C>A on transcript NM_007294.4 (MANE Select); 7 bases into the intron before coding-DNA position 81, C replaced by A.
Molecular consequence: intron variant.
Genome position (GRCh38, 1-based): chr17:43,115,786, G>T on the plus strand (C>A on the coding strand, the complement: BRCA1 is on the minus strand). VCF-style: chr17-43115786-G-T. GRCh37 (hg19) VCF-style: chr17-41267803-G-T.
Other names: c.-61-7C>A (NM_001408458.1, NM_001408470.1, NM_001407848.1 and 47 more transcripts); c.-219+9491C>A (NM_001407967.1); c.-170+9491C>A (NM_001407959.1); c.-7-9253C>A (NM_001407931.1, NM_001407747.1, NM_001408511.1 and 2 more transcripts); c.-223-7C>A (NM_001407962.1, NM_001408512.1, NM_001408510.1 and 1 more transcripts); c.-108-7C>A (NM_001407885.1, NM_001407886.1, NM_001408509.1 and 52 more transcripts); c.-177-7C>A (NM_001407746.1, NM_001408468.1, NM_001407842.1 and 13 more transcripts); c.-8+8231C>A (NM_001408461.1, NM_001407738.1, NM_001407932.1 and 23 more transcripts); and 10 more.
Identifiers: ClinVar variation 867773 (VCV000867773.3), dbSNP rs2055265891, ClinGen allele CA916081037.